The following is an entry in ClinVar:

ClinVar aggregate classification (germline): Uncertain significance. Review status: criteria provided, multiple submitters, no conflicts (2 of 4 stars). 3 submissions from 3 submitters: Uncertain significance (3). Last evaluated 2026-02-17.

Conditions:
Ehlers-Danlos syndrome, classic type, 1 (EDSCL1). Also called: EHLERS-DANLOS SYNDROME, GRAVIS TYPE; EHLERS-DANLOS SYNDROME, SEVERE CLASSIC TYPE; EDS I; Ehlers-Danlos Syndrome, Classic Type, COL5A1-Related; Ehlers-Danlos syndrome, type 1. Identifiers: MedGen C0268335, MONDO:0019567, OMIM 130000.
Familial thoracic aortic aneurysm and aortic dissection (TAAD). Also called: Thoracic aortic aneurysms and dissections. Identifiers: Orphanet 91387, MedGen C4707243, MONDO:0019625.

Allele frequency attached by ClinVar (database versions not stated): gnomAD 0.00001; TOPMed below 0.00001; gnomAD exomes below 0.00001.
gnomAD v4.1: 5 of 1,549,740 alleles (0.00032%); highest among the groups gnomAD compares: Non-Finnish European, 0.00035%; no homozygotes.

Submissions (3):

Ambry Genetics
Classification: Uncertain significance for Familial thoracic aortic aneurysm and aortic dissection. Last evaluated: 2026-02-17. Review status: criteria provided, single submitter. Criteria: Ambry Variant Classification Scheme 2023. Collection method: clinical testing. Allele origin: germline.

Labcorp Genetics (formerly Invitae), Labcorp
Classification: Uncertain significance for Ehlers-Danlos syndrome, classic type, 1. Last evaluated: 2025-04-17. Review status: criteria provided, single submitter. Criteria: Invitae Variant Classification Sherloc (09022015). Collection method: clinical testing. Allele origin: germline.
Comment: This sequence change replaces proline, which is neutral and non-polar, with histidine, which is basic and polar, at codon 1109 of the COL5A1 protein (p.Pro1109His). This variant is not present in population databases (gnomAD no frequency). This variant has not been reported in the literature in individuals affected with COL5A1-related conditions. ClinVar contains an entry for this variant (Variation ID: 1015104). Invitae Evidence Modeling of protein sequence and biophysical properties (such as structural, functional, and spatial information, amino acid conservation, physicochemical variation, residue mobility, and thermodynamic stability) indicates that this missense variant is not expected to disrupt COL5A1 protein function with a negative predictive value of 95%. In summary, the available evidence is currently insufficient to determine the role of this variant in disease. Therefore, it has been classified as a Variant of Uncertain Significance.

AiLife Diagnostics
Classification: Uncertain significance. Last evaluated: 2022-03-07. Review status: criteria provided, single submitter. Criteria: ACMG Guidelines, 2015. Collection method: clinical testing. Allele origin: germline. Affected: yes. Observed: 1 variant allele.

NM_000093.5(COL5A1):c.3326C>A (p.Pro1109His)

Gene: COL5A1 (collagen type V alpha 1 chain; plus strand). Cytogenetic location: 9q34.3.
Variant type: single nucleotide variant.
Coding change: c.3326C>A on transcript NM_000093.5 (MANE Select); coding-DNA position 3326, C replaced by A.
Protein change: p.Pro1109His; replaces proline 1109 with histidine.
Molecular consequence: missense variant.
Genome position (GRCh38, 1-based): chr9:134,806,256, C>A. VCF-style: chr9-134806256-C-A. GRCh37 (hg19) VCF-style: chr9-137698102-C-A.
Other names: c.3326C>A, p.Pro1109His (NM_001278074.1); c.3326C>A (NM_000093.3); short protein forms P1109H.
Identifiers: ClinVar variation 1015104 (VCV001015104.12), dbSNP rs1482501113, ClinGen allele CA375451747.